The following is an entry in ClinVar:

ClinVar aggregate classification (germline): Uncertain significance (1 of 4 stars; one submission).

Conditions:
SEMA3D-related disorder. Also called: SEMA3D-related condition.

gnomAD v4.1: 58 of 1,596,582 alleles (0.0036%); highest among the groups gnomAD compares: Non-Finnish European, 0.0012%; no homozygotes.

Submission:

PreventionGenetics, part of Exact Sciences
Classification: Uncertain significance for SEMA3D-related condition. Last evaluated: 2026-09-06. Review status: criteria provided, single submitter. Criteria: ACMG Guidelines, 2015. Collection method: clinical testing. Allele origin: germline.
Comment: The SEMA3D c.1892A>G variant is predicted to result in the amino acid substitution p.Asp631Gly. To our knowledge, this variant has not been reported in the literature. This variant is reported in 0.076% of alleles in individuals of European (Finnish) descent in gnomAD. Although we suspect that this variant may be benign, at this time, the clinical significance of this variant is uncertain due to the absence of conclusive functional and genetic evidence.

NM_001384900.1(SEMA3D):c.1892A>G (p.Asp631Gly)

Gene: SEMA3D (semaphorin 3D; minus strand). Cytogenetic location: 7q21.11.
Variant type: single nucleotide variant.
Coding change: c.1892A>G on transcript NM_001384900.1 (MANE Select); coding-DNA position 1892, A replaced by G.
Protein change: p.Asp631Gly; replaces aspartic acid 631 with glycine.
Molecular consequence: missense variant.
Genome position (GRCh38, 1-based): chr7:85,006,818, T>C on the plus strand (A>G on the coding strand, the complement: SEMA3D is on the minus strand). VCF-style: chr7-85006818-T-C. GRCh37 (hg19) VCF-style: chr7-84636134-T-C.
Other names: c.1892A>G, p.Asp631Gly (NM_001384901.1, NM_001384902.1, NM_001384903.1 and 1 more transcripts); short protein forms D631G.
Identifiers: ClinVar variation 4979773 (VCV004979773.1).